The following is an entry in ClinVar:

NM_000321.3(RB1):c.1017T>C (p.His339=)

Gene: RB1 (RB transcriptional corepressor 1; plus strand). Cytogenetic location: 13q14.2.
Variant type: single nucleotide variant.
Coding change: c.1017T>C on transcript NM_000321.3 (MANE Select); coding-DNA position 1017, T replaced by C.
Protein change: p.His339=; no amino-acid change (histidine 339 retained).
Molecular consequence: synonymous variant.
Genome position (GRCh38, 1-based): chr13:48,367,571, T>C. VCF-style: chr13-48367571-T-C. GRCh37 (hg19) VCF-style: chr13-48941707-T-C.
Identifiers: ClinVar variation 796640 (VCV000796640.11), dbSNP rs1161993720, ClinGen allele CA483558198.

ClinVar aggregate classification (germline): Likely benign. Review status: criteria provided, multiple submitters, no conflicts (2 of 4 stars). 2 submissions from 2 submitters: Likely benign (2). Last evaluated 2025-06-18.

Conditions:
Retinoblastoma (RB1). Also called: RETINOBLASTOMA, SOMATIC. Identifiers: Orphanet 790, MedGen C0035335, MeSH D012175, MONDO:0008380, OMIM 180200, HP:0009919. Disease mechanism: loss of function. Inheritance: Both sporadic and heritable forms are tested..

Submissions (2):

Labcorp Genetics (formerly Invitae), Labcorp
Classification: Likely benign for Retinoblastoma. Last evaluated: 2025-06-18. Review status: criteria provided, single submitter. Criteria: Invitae Variant Classification Sherloc (09022015). Collection method: clinical testing. Allele origin: germline.

All of Us Research Program, National Institutes of Health
Classification: Likely benign for Retinoblastoma. Last evaluated: 2023-08-15. Review status: criteria provided, single submitter. Criteria: ACMG Guidelines, 2015. Collection method: clinical testing. Allele origin: germline. Inheritance: Autosomal dominant inheritance. Observed: 1 variant allele, 1 heterozygote.
Comment: This study involves interpretation of variants in research participants for the purpose of population health screening. Participant phenotype was not available at the time of variant classification. Additional details can be found in publication PMID: 35346344, PMCID: PMC8962531